The following is an entry in ClinVar:

NM_001356.5(DDX3X):c.1406C>T (p.Thr469Ile)

Gene: DDX3X (DEAD-box helicase 3 X-linked; plus strand). Cytogenetic location: Xp11.4.
Variant type: single nucleotide variant.
Coding change: c.1406C>T on transcript NM_001356.5 (MANE Select); coding-DNA position 1406, C replaced by T.
Protein change: p.Thr469Ile; replaces threonine 469 with isoleucine.
Molecular consequence: missense variant. On other transcripts: non-coding transcript variant (1).
Genome position (GRCh38, 1-based): chrX:41,346,319, C>T. VCF-style: chrX-41346319-C-T. GRCh37 (hg19) VCF-style: chrX-41205572-C-T.
Other names: c.1406C>T, p.Thr469Ile (NM_001193416.3); c.1358C>T, p.Thr453Ile (NM_001193417.3); c.848C>T, p.Thr283Ile (NM_001363819.1); short protein forms T283I, T453I, T469I.
Identifiers: ClinVar variation 3370931 (VCV003370931.1).

ClinVar aggregate classification (germline): Uncertain significance (1 of 4 stars; one submission).

Submission:

GeneDx
Classification: Uncertain significance. Last evaluated: 2024-03-13. Review status: criteria provided, single submitter. Criteria: GeneDx Variant Classification Process June 2021. Collection method: clinical testing. Allele origin: germline. Affected: yes.
Comment: Not observed at significant frequency in large population cohorts (gnomAD); In silico analysis supports that this missense variant has a deleterious effect on protein structure/function; Has not been previously published as pathogenic or benign to our knowledge